The following is an entry in ClinVar:

ClinVar aggregate classification (germline): Uncertain significance (1 of 4 stars; one submission).

Submission:

GeneDx
Classification: Uncertain significance. Last evaluated: 2022-08-12. Review status: criteria provided, single submitter. Criteria: GeneDx Variant Classification Process June 2021. Collection method: clinical testing. Allele origin: germline.
Comment: Not observed at significant frequency in large population cohorts (gnomAD); In silico analysis supports that this missense variant has a deleterious effect on protein structure/function; Has not been previously published as pathogenic or benign to our knowledge; Variants in candidate genes are classified as variants of uncertain significance in accordance with ACMG guidelines (Richards et al., 2015)

NM_002332.3(LRP1):c.9725A>G (p.Asp3242Gly)

Gene: LRP1 (LDL receptor related protein 1; plus strand). Cytogenetic location: 12q13.3.
Variant type: single nucleotide variant.
Coding change: c.9725A>G on transcript NM_002332.3 (MANE Select); coding-DNA position 9725, A replaced by G.
Protein change: p.Asp3242Gly; replaces aspartic acid 3242 with glycine.
Molecular consequence: missense variant.
Genome position (GRCh38, 1-based): chr12:57,199,260, A>G. VCF-style: chr12-57199260-A-G. GRCh37 (hg19) VCF-style: chr12-57593043-A-G.
Other names: short protein forms D3242G.
Identifiers: ClinVar variation 4976618 (VCV004976618.1).